The following is an entry in ClinVar:

NM_001297.5(CNGB1):c.285G>T (p.Met95Ile)

Gene: CNGB1 (cyclic nucleotide gated channel subunit beta 1; minus strand). Cytogenetic location: 16q21.
Variant type: single nucleotide variant.
Coding change: c.285G>T on transcript NM_001297.5 (MANE Select); coding-DNA position 285, G replaced by T.
Protein change: p.Met95Ile; replaces methionine 95 with isoleucine.
Molecular consequence: missense variant.
Genome position (GRCh38, 1-based): chr16:57,964,135, C>A on the plus strand (G>T on the coding strand, the complement: CNGB1 is on the minus strand). VCF-style: chr16-57964135-C-A. GRCh37 (hg19) VCF-style: chr16-57998039-C-A.
Other names: c.285G>T, p.Met95Ile (NM_001135639.2, NM_001286130.2); short protein forms M95I.
Identifiers: ClinVar variation 93701 (VCV000093701.11), dbSNP rs376053977, ClinGen allele CA221641.

ClinVar aggregate classification (germline): Uncertain significance. Review status: criteria provided, multiple submitters, no conflicts (2 of 4 stars). 4 submissions from 4 submitters: Uncertain significance (4). Last evaluated 2025-11-24.

Conditions:
Inborn genetic diseases. Identifiers: MedGen C0950123, MeSH D030342.

Allele frequency attached by ClinVar (database versions not stated): gnomAD 0.00002; ExAC 0.00003; ESP Exome Variant Server 0.00017; gnomAD exomes 0.00003; TOPMed 0.00005.

Submissions (4):

Ambry Genetics
Classification: Uncertain significance for Inborn genetic diseases. Last evaluated: 2025-11-24. Review status: criteria provided, single submitter. Criteria: Ambry Variant Classification Scheme 2023. Collection method: clinical testing. Allele origin: germline.

Blueprint Genetics
Classification: Uncertain significance. Last evaluated: 2022-11-07. Review status: criteria provided, single submitter. Criteria: ACMG Guidelines, 2015. Collection method: clinical testing. Allele origin: germline.

Labcorp Genetics (formerly Invitae), Labcorp
Classification: Uncertain significance. Last evaluated: 2022-07-14. Review status: criteria provided, single submitter. Criteria: Invitae Variant Classification Sherloc (09022015). Collection method: clinical testing. Allele origin: germline.
Comment: This sequence change replaces methionine, which is neutral and non-polar, with isoleucine, which is neutral and non-polar, at codon 95 of the CNGB1 protein (p.Met95Ile). This variant is present in population databases (rs376053977, gnomAD 0.007%). This variant has not been reported in the literature in individuals affected with CNGB1-related conditions. ClinVar contains an entry for this variant (Variation ID: 93701). Advanced modeling of protein sequence and biophysical properties (such as structural, functional, and spatial information, amino acid conservation, physicochemical variation, residue mobility, and thermodynamic stability) performed at Invitae indicates that this missense variant is not expected to disrupt CNGB1 protein function. In summary, the available evidence is currently insufficient to determine the role of this variant in disease. Therefore, it has been classified as a Variant of Uncertain Significance.

Eurofins Ntd Llc (ga)
Classification: Uncertain significance. Last evaluated: 2013-11-11. Review status: criteria provided, single submitter. Criteria: EGL Classification Definitions 2015. Collection method: clinical testing. Allele origin: germline. Observed: 1 variant allele, 1 heterozygote.